The following is an entry in ClinVar:

NM_001128178.3(NPHP1):c.1762-1G>A

Gene: NPHP1 (nephrocystin 1; minus strand). Cytogenetic location: 2q13.
Variant type: single nucleotide variant.
Coding change: c.1762-1G>A on transcript NM_001128178.3 (MANE Select); the canonical splice acceptor site of the intron before coding-DNA position 1762, G replaced by A.
Molecular consequence: splice acceptor variant.
Genome position (GRCh38, 1-based): chr2:110,124,064, C>T on the plus strand (G>A on the coding strand, the complement: NPHP1 is on the minus strand). VCF-style: chr2-110124064-C-T. GRCh37 (hg19) VCF-style: chr2-110881641-C-T.
Other names: c.1573-1G>A (NM_001128179.3); c.1759-1G>A (NM_001374256.1); c.*4-1G>A (NM_001374257.1); c.1927-1G>A (NM_207181.4); c.1930-1G>A (NM_000272.5).
Identifiers: ClinVar variation 1368031 (VCV001368031.6), dbSNP rs2104409792, ClinGen allele CA348086385.

ClinVar aggregate classification (germline): Uncertain significance (1 of 4 stars; one submission).

Conditions:
Nephronophthisis. Also called: Juvenile Nephronophthisis. Identifiers: Orphanet 655, MedGen C0687120, MONDO:0019005, HP:0000090.

Submission:

Labcorp Genetics (formerly Invitae), Labcorp
Classification: Uncertain significance for Nephronophthisis. Last evaluated: 2022-08-31. Review status: criteria provided, single submitter. Criteria: Invitae Variant Classification Sherloc (09022015). Collection method: clinical testing. Allele origin: germline.
Comment: Variants that disrupt the consensus splice site are a relatively common cause of aberrant splicing (PMID: 17576681, 9536098). Algorithms developed to predict the effect of sequence changes on RNA splicing suggest that this variant may disrupt the consensus splice site. In summary, the available evidence is currently insufficient to determine the role of this variant in disease. Therefore, it has been classified as a Variant of Uncertain Significance. Experimental studies and prediction algorithms are not available or were not evaluated, and the functional significance of this variant is currently unknown. ClinVar contains an entry for this variant (Variation ID: 1368031). This variant has not been reported in the literature in individuals affected with NPHP1-related conditions. This variant is not present in population databases (gnomAD no frequency). This sequence change affects an acceptor splice site in intron 19 of the NPHP1 gene. While this variant is not anticipated to result in nonsense mediated decay, it likely alters RNA splicing and results in a disrupted protein product.

Literature cited by the submitters: PubMed 17576681; PubMed 9536098.